The following is an entry in ClinVar:

NM_000171.4(GLRA1):c.921del (p.Ser306_Tyr307insTer)

Gene: GLRA1 (glycine receptor alpha 1; minus strand). Cytogenetic location: 5q33.1.
Variant type: Deletion.
Coding change: c.921del on transcript NM_000171.4 (MANE Select); coding-DNA position 921, one base deleted (T; older notation c.921delT).
Protein change: p.Ser306_Tyr307insTer.
Molecular consequence: nonsense.
Genome position (GRCh38, 1-based): chr5:151,829,059, A deleted on the plus strand (T on the coding strand, the reverse complement: GLRA1 is on the minus strand). VCF-style (leftmost placement, unchanged base first): chr5-151829058-CA-C. GRCh37 (hg19) VCF-style: chr5-151208619-CA-C.
Other names: 1217delT; c.921del, p.Ser306_Tyr307insTer (NM_001146040.2); c.672del, p.Ser223_Tyr224insTer (NM_001292000.2).
Identifiers: ClinVar variation 38335 (VCV000038335.12), dbSNP rs281864921, ClinGen allele CA342965.
Genomic context (GRCh38, chr5:151,829,058, plus strand): 5'-CTAATAGGGCTGAGAACACAAAGAGCAGGCAAACTGCCATCCAAATGTCAATGGCTTTCA[CA>C]TAGGACACCTAGAGTGGGGGTGGAGGAGAAACAGGGAGGTGAAAGCAGGGGAATGTAAAA-3'

ClinVar aggregate classification (germline): Pathogenic. Review status: criteria provided, single submitter (1 of 4 stars). 2 submissions from 2 submitters: Pathogenic (1). 1 of the submissions does not count toward it. Last evaluated 2018-07-27.

Conditions:
Hereditary hyperekplexia. Identifiers: Orphanet 3197, MedGen C4084968, MONDO:0021022.
Hyperekplexia 1 (STHE). Also called: KOK DISEASE; STARTLE DISEASE, FAMILIAL; STIFF-BABY SYNDROME; STIFF-MAN SYNDROME, CONGENITAL; STIFF-PERSON SYNDROME, CONGENITAL; HYPEREKPLEXIA 1, AUTOSOMAL DOMINANT. Identifiers: Orphanet 3197, MedGen C4551954, MONDO:0007868, OMIM 149400.

Submissions (2):

Labcorp Genetics (formerly Invitae), Labcorp
Classification: Pathogenic for Hereditary hyperekplexia. Last evaluated: 2018-07-27. Review status: criteria provided, single submitter. Criteria: Invitae Variant Classification Sherloc (09022015). Collection method: clinical testing. Allele origin: germline.
Comment: For these reasons, this variant has been classified as Pathogenic. Loss-of-function variants in GLRA1 are known to be pathogenic (PMID: 20631190). This variant has been observed to segregate with hyperekplexia in a family (PMID: 15771552). ClinVar contains an entry for this variant (Variation ID: 38335). This variant is not present in population databases (ExAC no frequency). This sequence change creates a premature translational stop signal (p.Tyr307*) in the GLRA1 gene. It is expected to result in an absent or disrupted protein product.

GeneReviews
Classification: Pathogenic for Hyperekplexia. Last evaluated: 2012-10-04. Review status: no assertion criteria provided. Collection method: curation. Allele origin: unknown. Not counted in ClinVar's aggregate classification.
ClinVar note: Converted during submission from pathologic to Pathogenic.

Literature cited by the submitters: PubMed 20631190 (cited by Labcorp Genetics (formerly Invitae), Labcorp); PubMed 15771552 (cited by Labcorp Genetics (formerly Invitae), Labcorp).